The following is an entry in ClinVar:

ClinVar aggregate classification (germline): Benign (1 of 4 stars; one submission).

Conditions:
Immunodeficiency 104. Also called: IMMUNODEFICIENCY 104, SEVERE COMBINED; Severe combined immunodeficiency, autosomal recessive, T cell-negative, B cell-positive, NK cell-positive; SCID, AUTOSOMAL RECESSIVE, T CELL-NEGATIVE, B CELL-POSITIVE, NK CELL-POSITIVE; Severe Combined Immune Deficiency, Autosomal Recessive, TCell -Negative, B Cell-Positive, NK Cell-Positive, IL7R-Related. Identifiers: MedGen C5676890, MONDO:0012163, OMIM 608971.

Allele frequency attached by ClinVar (database versions not stated): gnomAD 0.00469 and 0.00633; TOPMed 0.00585; gnomAD exomes 0.01343; 1000 Genomes Project 30x 0.01827; 1000 Genomes Project 0.01977.
gnomAD v4.1: 2,033 of 232,882 alleles (0.87%); highest among the groups gnomAD compares: East Asian, 5.7%; 33 homozygotes.

Submission:

Illumina Laboratory Services, Illumina
Classification: Benign for Immunodeficiency 104. Last evaluated: 2018-01-12. Review status: criteria provided, single submitter. Criteria: ICSL Variant Classification Criteria 13 December 2019. Collection method: clinical testing. Allele origin: germline.
Comment: This variant was observed in the ICSL laboratory as part of a predisposition screen in an ostensibly healthy population. It had not been previously curated by ICSL or reported in the Human Gene Mutation Database (HGMD: prior to June 1st, 2018), and was therefore a candidate for classification through an automated scoring system. Utilizing variant allele frequency, disease prevalence and penetrance estimates, and inheritance mode, an automated score was calculated to assess if this variant is too frequent to cause the disease. Based on the score and internal cut-off values, a variant classified as benign is not then subjected to further curation. The score for this variant resulted in a classification of benign for this disease.

NM_002185.5(IL7R):c.*2898G>A

Gene: IL7R (interleukin 7 receptor; plus strand). Cytogenetic location: 5p13.2.
Variant type: single nucleotide variant.
Coding change: c.*2898G>A on transcript NM_002185.5 (MANE Select); 2898 bases downstream of the stop codon, G replaced by A.
Molecular consequence: 3 prime UTR variant. On other transcripts: non-coding transcript variant (1).
Genome position (GRCh38, 1-based): chr5:35,879,384, G>A. VCF-style: chr5-35879384-G-A. GRCh37 (hg19) VCF-style: chr5-35879486-G-A.
Identifiers: ClinVar variation 906323 (VCV000906323.4), dbSNP rs76863142, ClinGen allele CA12024452.